The following is an entry in ClinVar:

ClinVar aggregate classification (germline): Uncertain significance (1 of 4 stars; one submission).

Allele frequency attached by ClinVar (database versions not stated): TOPMed below 0.00001.

Submission:

GeneDx
Classification: Uncertain significance. Last evaluated: 2019-07-03. Review status: criteria provided, single submitter. Criteria: GeneDx Variant Classification Process June 2021. Collection method: clinical testing. Allele origin: germline. Affected: yes.
Comment: Has not been previously published as pathogenic or benign to our knowledge; Not observed in large population cohorts (Lek et al., 2016); In silico analysis, which includes protein predictors and evolutionary conservation, supports a deleterious effect

NM_181703.4(GJA5):c.38A>G (p.Glu13Gly)

Gene: GJA5 (gap junction protein alpha 5; minus strand). Cytogenetic location: 1q21.2.
Variant type: single nucleotide variant.
Coding change: c.38A>G on transcript NM_181703.4 (MANE Select); coding-DNA position 38, A replaced by G.
Protein change: p.Glu13Gly; replaces glutamic acid 13 with glycine.
Molecular consequence: missense variant.
Genome position (GRCh38, 1-based): chr1:147,759,201, T>C on the plus strand (A>G on the coding strand, the complement: GJA5 is on the minus strand). VCF-style: chr1-147759201-T-C. GRCh37 (hg19) VCF-style: chr1-147231309-T-C.
Other names: c.38A>G, p.Glu13Gly (NM_005266.7); short protein forms E13G.
Identifiers: ClinVar variation 1318672 (VCV001318672.2), dbSNP rs1663890298, ClinGen allele CA342399698.